The following is an entry in ClinVar:

NM_001371986.1(UNC80):c.3002G>A (p.Arg1001His)

Gene: UNC80 (unc-80 homolog, NALCN channel complex subunit; plus strand). Cytogenetic location: 2q34.
Variant type: single nucleotide variant.
Coding change: c.3002G>A on transcript NM_001371986.1 (MANE Select); coding-DNA position 3002, G replaced by A.
Protein change: p.Arg1001His; replaces arginine 1001 with histidine.
Molecular consequence: missense variant.
Genome position (GRCh38, 1-based): chr2:209,834,971, G>A. VCF-style: chr2-209834971-G-A. GRCh37 (hg19) VCF-style: chr2-210699695-G-A.
Other names: c.3002G>A, p.Arg1001His (NM_032504.2); c.2987G>A, p.Arg996His (NM_182587.4); short protein forms R1001H, R996H.
Identifiers: ClinVar variation 2050877 (VCV002050877.1), dbSNP rs763702668, ClinGen allele CA2083066.

ClinVar aggregate classification (germline): Uncertain significance (1 of 4 stars; one submission).

Allele frequency attached by ClinVar (database versions not stated): ExAC 0.00004; gnomAD exomes 0.00004.
gnomAD v4.1: 58 of 1,550,834 alleles (0.0037%); highest among the groups gnomAD compares: African/African-American, 0.0068%; no homozygotes.

Submission:

Labcorp Genetics (formerly Invitae), Labcorp
Classification: Uncertain significance. Last evaluated: 2022-10-14. Review status: criteria provided, single submitter. Criteria: Invitae Variant Classification Sherloc (09022015). Collection method: clinical testing. Allele origin: germline.
Comment: This sequence change replaces arginine, which is basic and polar, with histidine, which is basic and polar, at codon 1001 of the UNC80 protein (p.Arg1001His). The frequency data for this variant in the population databases is considered unreliable, as metrics indicate poor data quality at this position in the gnomAD database. This variant has not been reported in the literature in individuals affected with UNC80-related conditions. Algorithms developed to predict the effect of missense changes on protein structure and function are either unavailable or do not agree on the potential impact of this missense change (SIFT: "Not Available"; PolyPhen-2: "Probably Damaging"; Align-GVGD: "Not Available"). In summary, the available evidence is currently insufficient to determine the role of this variant in disease. Therefore, it has been classified as a Variant of Uncertain Significance.